The following is an entry in ClinVar:

NM_001199107.2(TBC1D24):c.45G>C (p.Met15Ile)

Gene: TBC1D24 (TBC1 domain family member 24; plus strand). Cytogenetic location: 16p13.3.
Variant type: single nucleotide variant.
Coding change: c.45G>C on transcript NM_001199107.2 (MANE Select); coding-DNA position 45, G replaced by C.
Protein change: p.Met15Ile; replaces methionine 15 with isoleucine.
Molecular consequence: missense variant.
Genome position (GRCh38, 1-based): chr16:2,496,193, G>C. VCF-style: chr16-2496193-G-C. GRCh37 (hg19) VCF-style: chr16-2546194-G-C.
Other names: c.45G>C, p.Met15Ile (NM_020705.3); short protein forms M15I.
Identifiers: ClinVar variation 2067492 (VCV002067492.4), dbSNP rs2505511703, ClinGen allele CA394374269.

ClinVar aggregate classification (germline): Uncertain significance (1 of 4 stars; one submission).

Conditions:
Developmental and epileptic encephalopathy, 1 (DEE1). Also called: X-linked infantile spasms; West's syndrome; Tonic spasms with clustering, arrest of psychomotor development and hypsarrhythmia on EEG; X-Linked Infantile Spasm Syndrome; OHTAHARA SYNDROME, X-LINKED; INFANTILE SPASM SYNDROME, X-LINKED 1. Identifiers: MedGen C3463992, MONDO:0010632, OMIM 308350. Disease mechanism: loss of function.
Autosomal dominant nonsyndromic hearing loss 65. Also called: Deafness, autosomal dominant 65; TBC1D24-Related Autosomal Dominant Nonsyndromic Hearing Loss (DFNA). Identifiers: Orphanet 90635, MedGen C3892048, MONDO:0014470, OMIM 616044.

Submission:

Labcorp Genetics (formerly Invitae), Labcorp
Classification: Uncertain significance for Developmental and epileptic encephalopathy, 1; Autosomal dominant nonsyndromic hearing loss 65. Last evaluated: 2021-12-31. Review status: criteria provided, single submitter. Criteria: Invitae Variant Classification Sherloc (09022015). Collection method: clinical testing. Allele origin: germline.
Comment: This sequence change replaces methionine, which is neutral and non-polar, with isoleucine, which is neutral and non-polar, at codon 15 of the TBC1D24 protein (p.Met15Ile). This variant is not present in population databases (gnomAD no frequency). This variant has not been reported in the literature in individuals affected with TBC1D24-related conditions. Advanced modeling of protein sequence and biophysical properties (such as structural, functional, and spatial information, amino acid conservation, physicochemical variation, residue mobility, and thermodynamic stability) performed at Invitae indicates that this missense variant is not expected to disrupt TBC1D24 protein function. In summary, the available evidence is currently insufficient to determine the role of this variant in disease. Therefore, it has been classified as a Variant of Uncertain Significance.